The following is an entry in ClinVar:

ClinVar aggregate classification (germline): Likely pathogenic. Review status: criteria provided, multiple submitters, no conflicts (2 of 4 stars). 2 submissions from 2 submitters: Likely pathogenic (2). Last evaluated 2022-11-01.

Conditions:
Maturity-onset diabetes of the young type 4 (MODY4). Also called: Maturity-onset diabetes of the young, type IV; MODY, type IV. Identifiers: Orphanet 552, MedGen C1833382, MONDO:0011667, OMIM 606392.
PDX1-related disorder. Also called: PDX1-related condition; PDX1-related disorders.

Submissions (2):

Blueprint Genetics
Classification: Likely pathogenic for PDX1-related disorders. Last evaluated: 2022-11-01. Review status: criteria provided, single submitter. Criteria: ACMG Guidelines, 2015. Collection method: clinical testing. Allele origin: germline. Affected: yes. Observed: 3 variant alleles.

Women's Health and Genetics/Laboratory Corporation of America, LabCorp
Classification: Likely pathogenic for MODY4. Last evaluated: 2011-08-18. Review status: criteria provided, single submitter. Criteria: LabCorp Variant Classification Summary - May 2015. Collection method: curation, clinical testing. Allele origin: germline. Inheritance: autosomal unknown. Affected: yes.
ClinVar note: Converted during submission from likely pathogenic to Likely pathogenic.

NM_000209.4(PDX1):c.571A>C (p.Lys191Gln)

Gene: PDX1 (pancreatic and duodenal homeobox 1; plus strand). Cytogenetic location: 13q12.2.
Variant type: single nucleotide variant.
Coding change: c.571A>C on transcript NM_000209.4 (MANE Select); coding-DNA position 571, A replaced by C.
Protein change: p.Lys191Gln; replaces lysine 191 with glutamine.
Molecular consequence: missense variant.
Genome position (GRCh38, 1-based): chr13:27,924,420, A>C. VCF-style: chr13-27924420-A-C. GRCh37 (hg19) VCF-style: chr13-28498557-A-C.
Other names: short protein forms K191Q.
Identifiers: ClinVar variation 36409 (VCV000036409.4), dbSNP rs193922356, ClinGen allele CA214073.